The following is an entry in ClinVar:

NM_001283009.2(RTEL1):c.1216G>A (p.Glu406Lys)

Genes: RTEL1-TNFRSF6B (RTEL1-TNFRSF6B readthrough (NMD candidate); plus strand), RTEL1 (regulator of telomere elongation helicase 1; plus strand). Cytogenetic location: 20q13.33.
Variant type: single nucleotide variant.
Coding change: c.1216G>A on transcript NM_001283009.2 (MANE Select); coding-DNA position 1216, G replaced by A.
Protein change: p.Glu406Lys; replaces glutamic acid 406 with lysine.
Molecular consequence: missense variant. On other transcripts: non-coding transcript variant (1).
Genome position (GRCh38, 1-based): chr20:63,685,547, G>A. VCF-style: chr20-63685547-G-A. GRCh37 (hg19) VCF-style: chr20-62316900-G-A.
Other names: c.547G>A, p.Glu183Lys (NM_001283010.1); c.1216G>A, p.Glu406Lys (NM_016434.4); c.1288G>A, p.Glu430Lys (NM_032957.5); short protein forms E430K, E183K, E406K.
Identifiers: ClinVar variation 947624 (VCV000947624.9), dbSNP rs1417269541, ClinGen allele CA409675664.

ClinVar aggregate classification (germline): Uncertain significance. Review status: criteria provided, multiple submitters, no conflicts (2 of 4 stars). 4 submissions from 4 submitters: Uncertain significance (3). 1 of the submissions does not count toward it. Last evaluated 2025-01-19.

Conditions:
Dyskeratosis congenita, autosomal recessive 5 (DKCB5). Identifiers: MedGen C3554656, MONDO:0014076, OMIM 615190.
Pulmonary fibrosis and/or bone marrow failure, Telomere-related, 3. Also called: PULMONARY FIBROSIS AND/OR BONE MARROW FAILURE SYNDROME, TELOMERE-RELATED, 3. Identifiers: Orphanet 2032, MedGen C4225346, MONDO:0014613, OMIM 616373.
Dyskeratosis congenita. Identifiers: Orphanet 1775, MedGen C0265965, MONDO:0015780.
Inborn genetic diseases. Identifiers: MedGen C0950123, MeSH D030342.

Allele frequency attached by ClinVar (database versions not stated): gnomAD exomes below 0.00001 and 0.00001; gnomAD 0.00001; TOPMed 0.00002.
gnomAD v4.1: 12 of 1,612,556 alleles (0.00074%); highest among the groups gnomAD compares: South Asian, 0.0033%; no homozygotes.

Submissions (4):

Labcorp Genetics (formerly Invitae), Labcorp
Classification: Uncertain significance for Dyskeratosis congenita, autosomal recessive 5; Pulmonary fibrosis and/or bone marrow failure, Telomere-related, 3. Last evaluated: 2025-01-19. Review status: criteria provided, single submitter. Criteria: Invitae Variant Classification Sherloc (09022015). Collection method: clinical testing. Allele origin: germline.
Comment: This sequence change replaces glutamic acid, which is acidic and polar, with lysine, which is basic and polar, at codon 406 of the RTEL1 protein (p.Glu406Lys). The frequency data for this variant in the population databases is considered unreliable, as metrics indicate poor data quality at this position in the gnomAD database. This variant has not been reported in the literature in individuals affected with RTEL1-related conditions. ClinVar contains an entry for this variant (Variation ID: 947624). An algorithm developed to predict the effect of missense changes on protein structure and function (PolyPhen-2) suggests that this variant is likely to be disruptive. In summary, the available evidence is currently insufficient to determine the role of this variant in disease. Therefore, it has been classified as a Variant of Uncertain Significance.

Ambry Genetics
Classification: Uncertain significance for Inborn genetic diseases. Last evaluated: 2025-01-08. Review status: criteria provided, single submitter. Criteria: Ambry Variant Classification Scheme 2023. Collection method: clinical testing. Allele origin: germline.
Comment: The p.E406K variant (also known as c.1216G>A), located in coding exon 14 of the RTEL1 gene, results from a G to A substitution at nucleotide position 1216. The glutamic acid at codon 406 is replaced by lysine, an amino acid with similar properties. This amino acid position is conserved. In addition, the in silico prediction for this alteration is inconclusive. Based on the available evidence, the clinical significance of this variant remains unclear.

Baylor Genetics
Classification: Uncertain significance for Dyskeratosis congenita, autosomal recessive 5. Last evaluated: 2023-09-12. Review status: criteria provided, single submitter. Criteria: ACMG Guidelines, 2015. Collection method: clinical testing. Allele origin: unknown.

Natera, Inc.
Classification: Uncertain significance for Dyskeratosis congenita. Last evaluated: 2020-03-21. Review status: no assertion criteria provided. Collection method: clinical testing. Allele origin: germline. Not counted in ClinVar's aggregate classification.